The following is an entry in ClinVar:

NM_000037.4(ANK1):c.41C>G (p.Thr14Ser)

Gene: ANK1 (ankyrin 1; minus strand). Cytogenetic location: 8p11.21.
Variant type: single nucleotide variant.
Coding change: c.41C>G on transcript NM_000037.4 (MANE Select); coding-DNA position 41, C replaced by G.
Protein change: p.Thr14Ser; replaces threonine 14 with serine.
Molecular consequence: missense variant.
Genome position (GRCh38, 1-based): chr8:41,758,124, G>C on the plus strand (C>G on the coding strand, the complement: ANK1 is on the minus strand). VCF-style: chr8-41758124-G-C. GRCh37 (hg19) VCF-style: chr8-41615642-G-C.
Other names: c.140C>G, p.Thr47Ser (NM_001142446.2); c.41C>G, p.Thr14Ser (NM_020475.3, NM_020476.3, NM_020477.3); short protein forms T14S, T47S.
Identifiers: ClinVar variation 3017301 (VCV003017301.3), dbSNP rs773205681, ClinGen allele CA4729099.

ClinVar aggregate classification (germline): Uncertain significance (1 of 4 stars; one submission).

Allele frequency attached by ClinVar (database versions not stated): gnomAD exomes 0.00001; TOPMed 0.00001; ExAC 0.00002.
gnomAD v4.1: 4 of 1,613,858 alleles (0.00025%); highest among the groups gnomAD compares: Admixed American, 0.0067%; no homozygotes.

Submission:

Labcorp Genetics (formerly Invitae), Labcorp
Classification: Uncertain significance. Last evaluated: 2023-07-18. Review status: criteria provided, single submitter. Criteria: Invitae Variant Classification Sherloc (09022015). Collection method: clinical testing. Allele origin: germline.
Comment: This variant has not been reported in the literature in individuals affected with ANK1-related conditions. An algorithm developed to predict the effect of missense changes on protein structure and function (PolyPhen-2) suggests that this variant is likely to be disruptive. In summary, the available evidence is currently insufficient to determine the role of this variant in disease. Therefore, it has been classified as a Variant of Uncertain Significance. This variant is present in population databases (rs773205681, gnomAD 0.01%). This sequence change replaces threonine, which is neutral and polar, with serine, which is neutral and polar, at codon 14 of the ANK1 protein (p.Thr14Ser).